The following is an entry in ClinVar:

ClinVar aggregate classification (germline): Uncertain significance (1 of 4 stars; one submission).

Conditions:
Retinitis pigmentosa 25 (RP25). Identifiers: Orphanet 791, MedGen C1864446, MONDO:0011272, OMIM 602772.

Submission:

Myriad Genetics, Inc.
Classification: Uncertain significance for Retinitis pigmentosa 25. Last evaluated: 2026-08-31. Review status: criteria provided, single submitter. Criteria: Myriad Autosomal Dominant, Autosomal Recessive and X-Linked Classification Criteria (2023). Collection method: clinical testing. Allele origin: unknown.
Comment: NM_001142800.1(EYS):c.171_173delCTG(C57del) is an in-frame deletion classified as a variant of uncertain significance in the context of retinitis pigmentosa, EYS-related. C57del has not been observed in cases with relevant disease. Relevant functional assessments of this variant are not available in the literature. C57del has not been observed in referenced population frequency databases. In summary, there is insufficient evidence to classify NM_001142800.1(EYS):c.171_173delCTG(C57del) as pathogenic or benign. Please note: this variant was assessed in the context of healthy population screening.

NM_001142800.2(EYS):c.171_173del (p.Cys57del)

Gene: EYS (EGF-like photoreceptor maintenance factor; minus strand). Cytogenetic location: 6q12.
Variant type: Deletion.
Coding change: c.171_173del on transcript NM_001142800.2 (MANE Select); coding-DNA positions 171 to 173, 3 bases deleted (CTG; older notation c.171_173delCTG).
Protein change: p.Cys57del; deletes cysteine 57.
Molecular consequence: inframe deletion.
Genome position (GRCh38, 1-based): chr6:65,495,238-65,495,240, CAG deleted on the plus strand (CTG on the coding strand, the reverse complement: EYS is on the minus strand); deleting any 3 consecutive bases within chr6:65,495,238-65,495,242 gives the same sequence; the c. name uses the placement nearest the transcript's 3' end. VCF-style (leftmost placement, unchanged base first): chr6-65495237-CCAG-C. GRCh37 (hg19) VCF-style: chr6-66205130-CCAG-C.
Other names: c.171_173del, p.Cys57del (NM_001142801.2, NM_001292009.2, NM_198283.2); short protein forms C57del.
Identifiers: ClinVar variation 5003687 (VCV005003687.1).
Genomic context (GRCh38, chr6:65,495,237, plus strand): 5'-GCAAATCTGGGGAACAGCTTGATTGCCTGAAGTATCTATTTTAGTGTTTACACCCAAAAA[CCAG>C]CAATCTCTGTAGAAGTCCAAGCAGATGTTTTCTGTTAGTGTCCAATTTACCACATATGAT-3'